The following is an entry in ClinVar:

ClinVar aggregate classification (germline): Uncertain significance (1 of 4 stars; one submission).

Allele frequency attached by ClinVar (database versions not stated): gnomAD 0.00001; ExAC 0.00002; TOPMed 0.00004; ESP Exome Variant Server 0.00008; gnomAD exomes 0.00009.
gnomAD v4.1: 129 of 1,613,958 alleles (0.008%); highest among the groups gnomAD compares: Middle Eastern, 0.016%; no homozygotes.

Submission:

Labcorp Genetics (formerly Invitae), Labcorp
Classification: Uncertain significance. Last evaluated: 2023-06-02. Review status: criteria provided, single submitter. Criteria: Invitae Variant Classification Sherloc (09022015). Collection method: clinical testing. Allele origin: germline.
Comment: Advanced modeling of protein sequence and biophysical properties (such as structural, functional, and spatial information, amino acid conservation, physicochemical variation, residue mobility, and thermodynamic stability) performed at Invitae indicates that this missense variant is not expected to disrupt TRPC3 protein function. In summary, the available evidence is currently insufficient to determine the role of this variant in disease. Therefore, it has been classified as a Variant of Uncertain Significance. This variant has not been reported in the literature in individuals affected with TRPC3-related conditions. This variant is present in population databases (rs148910203, gnomAD 0.004%). This sequence change replaces arginine, which is basic and polar, with glutamine, which is neutral and polar, at codon 351 of the TRPC3 protein (p.Arg351Gln).

NM_001130698.2(TRPC3):c.1052G>A (p.Arg351Gln)

Gene: TRPC3 (transient receptor potential cation channel subfamily C member 3; minus strand). Cytogenetic location: 4q27.
Variant type: single nucleotide variant.
Coding change: c.1052G>A on transcript NM_001130698.2 (MANE Select); coding-DNA position 1052, G replaced by A.
Protein change: p.Arg351Gln; replaces arginine 351 with glutamine.
Molecular consequence: missense variant.
Genome position (GRCh38, 1-based): chr4:121,925,142, C>T on the plus strand (G>A on the coding strand, the complement: TRPC3 is on the minus strand). VCF-style: chr4-121925142-C-T. GRCh37 (hg19) VCF-style: chr4-122846297-C-T.
Other names: c.1052G>A, p.Arg351Gln (NM_001366479.2); c.833G>A, p.Arg278Gln (NM_003305.2); short protein forms R351Q, R278Q.
Identifiers: ClinVar variation 2717543 (VCV002717543.3), dbSNP rs148910203, ClinGen allele CA3065028.